The following is an entry in ClinVar:

NM_000090.4(COL3A1):c.1550C>T (p.Pro517Leu)

Gene: COL3A1 (collagen type III alpha 1 chain; plus strand). Cytogenetic location: 2q32.2.
Variant type: single nucleotide variant.
Coding change: c.1550C>T on transcript NM_000090.4 (MANE Select); coding-DNA position 1550, C replaced by T.
Protein change: p.Pro517Leu; replaces proline 517 with leucine.
Molecular consequence: missense variant.
Genome position (GRCh38, 1-based): chr2:188,995,732, C>T. VCF-style: chr2-188995732-C-T. GRCh37 (hg19) VCF-style: chr2-189860458-C-T.
Other names: p.P517L:CCC>CTC; short protein forms P517L.
Identifiers: ClinVar variation 161217 (VCV000161217.56), dbSNP rs142085247, ClinGen allele CA004348.
Genomic context (GRCh38, chr2:188,995,732, plus strand): 5'-AAATTTCTTTCACTACTTAGGGTCCTGCTGGAGAGCGTGGTGCTCCAGGCCCTGCAGGGC[C>T]CAGAGGAGCTGCTGGAGAACCTGGCAGAGATGGCGTCCCTGGAGGTCCAGGAATGAGGGT-3'
Protein context (NP_000081.2, residues 507-527): GERGAPGPAG[Pro517Leu]RGAAGEPGRD

ClinVar aggregate classification (germline): Benign/Likely benign. Review status: criteria provided, multiple submitters, no conflicts (2 of 4 stars). 12 submissions from 12 submitters: Benign (1); Likely benign (10). 1 of the submissions does not count toward it. Last evaluated 2026-08-01.

Conditions:
Familial thoracic aortic aneurysm and aortic dissection (TAAD). Also called: Thoracic aortic aneurysms and dissections. Identifiers: Orphanet 91387, MedGen C4707243, MONDO:0019625.
Ehlers-Danlos syndrome, type 4 (EDSVASC). Also called: Ehlers-Danlos syndrome vascular type; Ehlers Danlos syndrome, ecchymotic type; Ehlers Danlos syndrome, arterial type; Ehlers Danlos syndrome, Sack-Barabas type; Ehlers-Danlos Syndrome Type IV. Identifiers: Orphanet 286, MedGen C0268338, MONDO:0017314, OMIM 130050.

Allele frequency attached by ClinVar (database versions not stated): gnomAD 0.00080; TOPMed 0.00092; 1000 Genomes Project 0.00100; ESP Exome Variant Server 0.00100; 1000 Genomes Project 30x 0.00141.
gnomAD v4.1: 272 of 1,565,876 alleles (0.017%); highest among the groups gnomAD compares: African/African-American, 0.26%; 1 homozygote.

Submissions (12):

CeGaT Center for Human Genetics Tuebingen
Classification: Likely benign. Last evaluated: 2026-08-01. Review status: criteria provided, single submitter. Criteria: CeGaT Center For Human Genetics Tuebingen Variant Classification Criteria Version 2. Collection method: clinical testing. Allele origin: germline. Affected: yes. Observed: 3 variant alleles.
Comment: COL3A1: BS1

Labcorp Genetics (formerly Invitae), Labcorp
Classification: Likely benign for Ehlers-Danlos syndrome, type 4. Last evaluated: 2026-01-26. Review status: criteria provided, single submitter. Criteria: Invitae Variant Classification Sherloc (09022015). Collection method: clinical testing. Allele origin: germline.

Blueprint Genetics
Classification: Likely benign. Last evaluated: 2024-10-11. Review status: criteria provided, single submitter. Criteria: ACMG Guidelines, 2015. Collection method: clinical testing. Allele origin: germline.

Ambry Genetics
Classification: Likely benign for Familial thoracic aortic aneurysm and aortic dissection. Last evaluated: 2020-02-19. Review status: criteria provided, single submitter. Criteria: Ambry Variant Classification Scheme 2023. Collection method: clinical testing. Allele origin: germline.

Mendelics
Classification: Benign for Ehlers-Danlos syndrome, type 4. Last evaluated: 2019-05-28. Review status: criteria provided, single submitter. Criteria: Mendelics Assertion Criteria 2017. Collection method: clinical testing. Allele origin: unknown.

Laboratory for Molecular Medicine, Mass General Brigham Personalized Medicine
Classification: Likely benign. Last evaluated: 2019-01-02. Review status: criteria provided, single submitter. Criteria: ACMG Guidelines, 2015. Collection method: clinical testing. Allele origin: germline.
Comment: The p.Pro517Leu variant in COL3A1 is classified as likely benign because it has been identified in 0.3% (51/19014) of African chromosomes by gnomAD. ACMG/AMP Criteria applied: BS1.

Color Diagnostics, LLC DBA Color Health
Classification: Likely benign for Familial thoracic aortic aneurysm and aortic dissection. Last evaluated: 2018-10-19. Review status: criteria provided, single submitter. Criteria: ACMG Guidelines, 2015. Collection method: clinical testing. Allele origin: germline.

ARUP Laboratories, Molecular Genetics and Genomics, ARUP Laboratories
Classification: Likely benign. Last evaluated: 2018-08-12. Review status: criteria provided, single submitter. Criteria: ARUP Molecular Germline Variant Investigation Process. Collection method: clinical testing. Allele origin: germline.

Women's Health and Genetics/Laboratory Corporation of America, LabCorp
Classification: Likely benign. Last evaluated: 2017-05-22. Review status: criteria provided, single submitter. Criteria: LabCorp Variant Classification Summary - May 2015. Collection method: clinical testing. Allele origin: germline.
Comment: Variant summary: The COL3A1 c.1550C>T (p.Pro517Leu) variant involves the alteration of a conserved nucleotide. 3/4 in silico tools predict a damaging outcome for this variant (SNPsandGO not captured due to low reliability index). This variant was found in 18/22204 control chromosomes at a frequency of 0.0008107, which is approximately 649 times the estimated maximal expected allele frequency of a pathogenic COL3A1 variant (0.0000013), suggesting this variant is likely a benign polymorphism. This variant has been identified in one patient with vascular Ehlers-Danlos syndrome, who also carries COL3A1 p.G912A (classified as causal in the paper, Drera_2011). In addition, multiple clinical diagnostic laboratories/reputable databases classified this variant as likely benign. Taken together, this variant is classified as likely benign.

GeneDx
Classification: Likely benign. Last evaluated: 2017-03-20. Review status: criteria provided, single submitter. Criteria: GeneDx Variant Classification (06012015). Collection method: clinical testing. Allele origin: germline. Affected: yes.
Comment: This variant is considered likely benign or benign based on one or more of the following criteria: it is a conservative change, it occurs at a poorly conserved position in the protein, it is predicted to be benign by multiple in silico algorithms, and/or has population frequency not consistent with disease.

PreventionGenetics, part of Exact Sciences
Classification: Likely benign. Review status: criteria provided, single submitter. Criteria: ACMG Guidelines, 2015. Collection method: clinical testing. Allele origin: germline.

CSER _CC_NCGL, University of Washington
Classification: Uncertain significance for Ehlers-Danlos syndrome, vascular-type. Last evaluated: 2014-06-01. Review status: no assertion criteria provided. Collection method: research. Allele origin: germline. Inheritance: Autosomal dominant inheritance. Study: ESP 6500 variant annotation. Not counted in ClinVar's aggregate classification.
Comment: Variants classified for the Actionable exomic incidental findings in 6503 participants: challenges of variant classification manuscript

Literature cited by the submitters: PubMed 24055113 (cited by Women's Health and Genetics/Laboratory Corporation of America, LabCorp); PubMed 25637381 (cited by Women's Health and Genetics/Laboratory Corporation of America, LabCorp); PubMed 22019127 (cited by Women's Health and Genetics/Laboratory Corporation of America, LabCorp); PubMed 26332594 (cited by Women's Health and Genetics/Laboratory Corporation of America, LabCorp).